The following is an entry in ClinVar:

ClinVar aggregate classification (germline): Uncertain significance. Review status: criteria provided, multiple submitters, no conflicts (2 of 4 stars). 4 submissions from 4 submitters: Uncertain significance (4). Last evaluated 2024-09-18.

Conditions:
Cerebral cavernous malformation (CCM). Also called: CAVERNOUS ANGIOMA, FAMILIAL; CAVERNOUS ANGIOMATOUS MALFORMATIONS; CEREBRAL CAPILLARY MALFORMATIONS; Cerebral cavernous malformations; Cerebral cavernous hemangioma (type); Cavernous Hemangioma of Brain. Identifiers: Orphanet 221061, MedGen C2919945, MONDO:0000820, OMIM 116860, HP:0033522.

Allele frequency attached by ClinVar (database versions not stated): TOPMed below 0.00001; gnomAD 0.00001; gnomAD exomes 0.00001.
gnomAD v4.1: 25 of 1,588,936 alleles (0.0016%); highest among the groups gnomAD compares: Middle Eastern, 0.017%; no homozygotes.

Submissions (4):

Women's Health and Genetics/Laboratory Corporation of America, LabCorp
Classification: Uncertain significance. Last evaluated: 2024-09-18. Review status: criteria provided, single submitter. Criteria: LabCorp Variant Classification Summary - May 2015. Collection method: clinical testing. Allele origin: germline.
Comment: Variant summary: KRIT1 c.413T>C (p.Ile138Thr) results in a non-conservative amino acid change located in the KRIT, N-terminal NPxY motif-rich region (IPR032022) of the encoded protein sequence. Four of four in-silico tools predict a damaging effect of the variant on protein function. Consensus agreement among computation tools predict no significant impact on normal splicing. However, the variant was reported to cause aberrant splicing, but these results were inconclusive (example: D'Angelo_2011). The variant allele was found at a frequency of 1.2e-05 in 251156 control chromosomes (gnomAD). The available data on variant occurrences in the general population are insufficient to allow any conclusion about variant significance. These data do not allow any conclusion about variant significance. The following publication has been ascertained in the context of this evaluation (PMID: 21029238). ClinVar contains an entry for this variant (Variation ID: 449499). Based on the evidence outlined above, the variant was classified as uncertain significance.

Labcorp Genetics (formerly Invitae), Labcorp
Classification: Uncertain significance for Cerebral cavernous malformation. Last evaluated: 2022-07-26. Review status: criteria provided, single submitter. Criteria: Invitae Variant Classification Sherloc (09022015). Collection method: clinical testing. Allele origin: germline.
Comment: This sequence change replaces isoleucine, which is neutral and non-polar, with threonine, which is neutral and polar, at codon 138 of the KRIT1 protein (p.Ile138Thr). This variant is present in population databases (no rsID available, gnomAD 0.01%). This missense change has been observed in individual(s) with clinical features of cerebral cavernous malformation (PMID: 21029238). ClinVar contains an entry for this variant (Variation ID: 449499). Algorithms developed to predict the effect of missense changes on protein structure and function (SIFT, PolyPhen-2, Align-GVGD) all suggest that this variant is likely to be disruptive. In summary, the available evidence is currently insufficient to determine the role of this variant in disease. Therefore, it has been classified as a Variant of Uncertain Significance.

AiLife Diagnostics
Classification: Uncertain significance. Last evaluated: 2021-05-20. Review status: criteria provided, single submitter. Criteria: ACMG Guidelines, 2015. Collection method: clinical testing. Allele origin: germline. Affected: yes. Observed: 1 variant allele.

GeneDx
Classification: Uncertain significance. Last evaluated: 2020-12-22. Review status: criteria provided, single submitter. Criteria: GeneDx Variant Classification Process June 2021. Collection method: clinical testing. Allele origin: germline. Affected: yes.
Comment: Observed in an individual with a single cerebral cavernous malformation lesion and their asymptomatic father who had a normal brain MRI (D'Angelo et al., 2011); Published functional studies demonstrate an effect on splicing (D'Angelo et al., 2011); In silico analysis supports that this missense variant has a deleterious effect on protein structure/function; This variant is associated with the following publications: (PMID: 21029238)

Literature cited by the submitters: PubMed 21029238 (cited by 3 submitters).

NM_194454.3(KRIT1):c.413T>C (p.Ile138Thr)

Gene: KRIT1 (KRIT1 ankyrin repeat containing; minus strand). Cytogenetic location: 7q21.2.
Variant type: single nucleotide variant.
Coding change: c.413T>C on transcript NM_194454.3 (MANE Select); coding-DNA position 413, T replaced by C.
Protein change: p.Ile138Thr; replaces isoleucine 138 with threonine.
Molecular consequence: missense variant. On other transcripts: 5 prime UTR variant (1).
Genome position (GRCh38, 1-based): chr7:92,236,485, A>G on the plus strand (T>C on the coding strand, the complement: KRIT1 is on the minus strand). VCF-style: chr7-92236485-A-G. GRCh37 (hg19) VCF-style: chr7-91865799-A-G.
Other names: c.413T>C, p.Ile138Thr (NM_001013406.2, NM_001350669.1, NM_001350670.1 and 29 more transcripts); c.-171T>C (NM_001350671.1); short protein forms I138T.
Identifiers: ClinVar variation 449499 (VCV000449499.14), dbSNP rs1172939308, ClinGen allele CA368162422.
Genomic context (GRCh38, chr7:92,236,485, plus strand): 5'-ATTAACATCCTTGCTGTAAGTGTAGCAAAATGAGTACTGGATTCACTACAGACTCGCATA[A>G]TATCTTGTAAGCAGTAAAAAATTGGGCATCCTGGGGTATATGTGTATTTAGTATTATCTG-3'
Protein context (NP_919436.1, residues 128-148): GCPIFYCLQD[Ile138Thr]MRVCSESSTH